The following is an entry in ClinVar:

ClinVar aggregate classification (germline): Uncertain significance (1 of 4 stars; one submission).

Allele frequency attached by ClinVar (database versions not stated): gnomAD exomes below 0.00001; ExAC 0.00002; gnomAD 0.00006; TOPMed 0.00009.
gnomAD v4.1: 10 of 1,614,066 alleles (0.00062%); highest among the groups gnomAD compares: African/African-American, 0.011%; no homozygotes.

Submission:

Labcorp Genetics (formerly Invitae), Labcorp
Classification: Uncertain significance. Last evaluated: 2022-05-26. Review status: criteria provided, single submitter. Criteria: Invitae Variant Classification Sherloc (09022015). Collection method: clinical testing. Allele origin: germline.
Comment: In summary, the available evidence is currently insufficient to determine the role of this variant in disease. Therefore, it has been classified as a Variant of Uncertain Significance. Algorithms developed to predict the effect of missense changes on protein structure and function are either unavailable or do not agree on the potential impact of this missense change (SIFT: "Deleterious"; PolyPhen-2: "Benign"; Align-GVGD: "Class C65"). This missense change has been observed in individual(s) with LRP6-related conditions (Invitae). This variant is present in population databases (rs755949998, gnomAD 0.02%). This sequence change replaces proline, which is neutral and non-polar, with serine, which is neutral and polar, at codon 1543 of the LRP6 protein (p.Pro1543Ser).

NM_002336.3(LRP6):c.4627C>T (p.Pro1543Ser)

Gene: LRP6 (LDL receptor related protein 6; minus strand). Cytogenetic location: 12p13.2.
Variant type: single nucleotide variant.
Coding change: c.4627C>T on transcript NM_002336.3 (MANE Select); coding-DNA position 4627, C replaced by T.
Protein change: p.Pro1543Ser; replaces proline 1543 with serine.
Molecular consequence: missense variant.
Genome position (GRCh38, 1-based): chr12:12,121,341, G>A on the plus strand (C>T on the coding strand, the complement: LRP6 is on the minus strand). VCF-style: chr12-12121341-G-A. GRCh37 (hg19) VCF-style: chr12-12274275-G-A.
Other names: c.4720C>T, p.Pro1574Ser (NM_001414244.1); c.4627C>T, p.Pro1543Ser (NM_001414245.1); c.4492C>T, p.Pro1498Ser (NM_001414246.1); c.4429C>T, p.Pro1477Ser (NM_001414247.1); c.*103C>T (NM_001414248.1); c.4264C>T, p.Pro1422Ser (NM_001414251.1); c.4174C>T, p.Pro1392Ser (NM_001414252.1, NM_001414253.1, NM_001414254.1); c.4120C>T, p.Pro1374Ser (NM_001414255.1); short protein forms P1374S, P1422S, P1477S, P1392S, P1498S, P1543S, P1574S.
Identifiers: ClinVar variation 1902637 (VCV001902637.5), dbSNP rs755949998, ClinGen allele CA6454884.